The following is an entry in ClinVar:

NM_001029.5(RPS26):c.77G>A (p.Cys26Tyr)

Gene: RPS26 (ribosomal protein S26; plus strand). Cytogenetic location: 12q13.2.
Variant type: single nucleotide variant.
Coding change: c.77G>A on transcript NM_001029.5 (MANE Select); coding-DNA position 77, G replaced by A.
Protein change: p.Cys26Tyr; replaces cysteine 26 with tyrosine.
Molecular consequence: missense variant.
Genome position (GRCh38, 1-based): chr12:56,042,498, G>A. VCF-style: chr12-56042498-G-A. GRCh37 (hg19) VCF-style: chr12-56436282-G-A.
Other names: short protein forms C26Y.
Identifiers: ClinVar variation 2859857 (VCV002859857.3), dbSNP rs2540722824, ClinGen allele CA385326416.

ClinVar aggregate classification (germline): Uncertain significance (1 of 4 stars; one submission).

Conditions:
Diamond-Blackfan anemia 10 (DBA10). Also called: RPS26-Related Diamond-Blackfan Anemia. Identifiers: Orphanet 124, MedGen C2750080, MONDO:0013217, OMIM 613309.

Submission:

Labcorp Genetics (formerly Invitae), Labcorp
Classification: Uncertain significance for Diamond-Blackfan anemia 10. Last evaluated: 2023-04-27. Review status: criteria provided, single submitter. Criteria: Invitae Variant Classification Sherloc (09022015). Collection method: clinical testing. Allele origin: germline.
Comment: In summary, the available evidence is currently insufficient to determine the role of this variant in disease. Therefore, it has been classified as a Variant of Uncertain Significance. An algorithm developed to predict the effect of missense changes on protein structure and function (PolyPhen-2) suggests that this variant is likely to be disruptive. This variant has not been reported in the literature in individuals affected with RPS26-related conditions. This variant is not present in population databases (gnomAD no frequency). This sequence change replaces cysteine, which is neutral and slightly polar, with tyrosine, which is neutral and polar, at codon 26 of the RPS26 protein (p.Cys26Tyr).